The following is an entry in ClinVar:

ClinVar aggregate classification (germline): Uncertain significance. Review status: criteria provided, multiple submitters, no conflicts (2 of 4 stars). 4 submissions from 4 submitters: Uncertain significance (4). Last evaluated 2025-11-19.

Conditions:
Hereditary cancer-predisposing syndrome. Also called: Neoplastic Syndromes, Hereditary; Tumor predisposition; Hereditary neoplastic syndrome; Hereditary Cancer Syndrome. Identifiers: Orphanet 140162, MedGen C0027672, MeSH D009386, MONDO:0015356.
Bloom syndrome (BLM). Also called: Bloom-Torre-Machacek syndrome. Identifiers: Orphanet 125, MedGen C0005859, MONDO:0008876, OMIM 210900.

Allele frequency attached by ClinVar (database versions not stated): ExAC 0.00001.
gnomAD v4.1: 8 of 1,614,084 alleles (0.0005%); highest among the groups gnomAD compares: Non-Finnish European, 0.00068%; no homozygotes.

Submissions (4):

Labcorp Genetics (formerly Invitae), Labcorp
Classification: Uncertain significance for Bloom syndrome. Last evaluated: 2025-11-19. Review status: criteria provided, single submitter. Criteria: Invitae Variant Classification Sherloc (09022015). Collection method: clinical testing. Allele origin: germline.
Comment: This sequence change replaces alanine, which is neutral and non-polar, with glutamic acid, which is acidic and polar, at codon 1276 of the BLM protein (p.Ala1276Glu). This variant is present in population databases (rs760554566, gnomAD 0.0009%). This variant has not been reported in the literature in individuals affected with BLM-related conditions. ClinVar contains an entry for this variant (Variation ID: 317411). Invitae Evidence Modeling of protein sequence and biophysical properties (such as structural, functional, and spatial information, amino acid conservation, physicochemical variation, residue mobility, and thermodynamic stability) indicates that this missense variant is not expected to disrupt BLM protein function with a negative predictive value of 80%. RNA analysis performed to evaluate the impact of this missense change on mRNA splicing indicates it does not significantly alter splicing (internal data). In summary, the available evidence is currently insufficient to determine the role of this variant in disease. Therefore, it has been classified as a Variant of Uncertain Significance.

Ambry Genetics
Classification: Uncertain significance for Hereditary cancer-predisposing syndrome. Last evaluated: 2025-09-16. Review status: criteria provided, single submitter. Criteria: Ambry Variant Classification Scheme 2023. Collection method: clinical testing. Allele origin: germline.
Comment: The p.A1276E variant (also known as c.3827C>A), located in coding exon 19 of the BLM gene, results from a C to A substitution at nucleotide position 3827. The alanine at codon 1276 is replaced by glutamic acid, an amino acid with dissimilar properties. This amino acid position is highly conserved in available vertebrate species. In addition, this alteration is predicted to be deleterious by in silico analysis. Since supporting evidence is limited at this time, the clinical significance of this alteration remains unclear.

Fulgent Genetics
Classification: Uncertain significance for Bloom syndrome. Last evaluated: 2021-07-27. Review status: criteria provided, single submitter. Criteria: ACMG Guidelines, 2015. Collection method: clinical testing. Allele origin: unknown.

Illumina Laboratory Services, Illumina
Classification: Uncertain significance for Bloom syndrome. Last evaluated: 2018-01-12. Review status: criteria provided, single submitter. Criteria: ICSL Variant Classification Criteria 13 December 2019. Collection method: clinical testing. Allele origin: germline.

NM_000057.4(BLM):c.3827C>A (p.Ala1276Glu)

Gene: BLM (BLM RecQ like helicase; plus strand). Cytogenetic location: 15q26.1.
Variant type: single nucleotide variant.
Coding change: c.3827C>A on transcript NM_000057.4 (MANE Select); coding-DNA position 3827, C replaced by A.
Protein change: p.Ala1276Glu; replaces alanine 1276 with glutamic acid.
Molecular consequence: missense variant.
Genome position (GRCh38, 1-based): chr15:90,809,212, C>A. VCF-style: chr15-90809212-C-A. GRCh37 (hg19) VCF-style: chr15-91352442-C-A.
Other names: c.3827C>A (LRG_20t1); c.3827C>A, p.Ala1276Glu (NM_001287246.2); c.3434C>A, p.Ala1145Glu (NM_001287247.2); c.2702C>A, p.Ala901Glu (NM_001287248.2); short protein forms A1276E, A1145E, A901E.
Identifiers: ClinVar variation 317411 (VCV000317411.17), dbSNP rs760554566, ClinGen allele CA7739116.